The following is an entry in ClinVar:

NM_001346754.2(PIGW):c.623C>T (p.Pro208Leu)

Genes: MYO19 (myosin XIX; minus strand), PIGW (phosphatidylinositol glycan anchor biosynthesis class W; plus strand). Cytogenetic location: 17q12.
Variant type: single nucleotide variant.
Coding change: c.623C>T on transcript NM_001346754.2 (MANE Select); coding-DNA position 623, C replaced by T.
Protein change: p.Pro208Leu; replaces proline 208 with leucine.
Molecular consequence: missense variant.
Genome position (GRCh38, 1-based): chr17:36,537,724, C>T. VCF-style: chr17-36537724-C-T. GRCh37 (hg19) VCF-style: chr17-34893573-C-T.
Other names: c.623C>T, p.Pro208Leu (NM_001346755.2, NM_178517.5); short protein forms P208L.
Identifiers: ClinVar variation 1897168 (VCV001897168.5), dbSNP rs36126803, ClinGen allele CA290116138.

ClinVar aggregate classification (germline): Uncertain significance (1 of 4 stars; one submission).

Conditions:
Hyperphosphatasia with intellectual disability syndrome 5 (GPIBD11). Also called: GLYCOSYLPHOSPHATIDYLINOSITOL BIOSYNTHESIS DEFECT 11. Identifiers: Orphanet 247262, MedGen C4014958, MONDO:0014457, OMIM 616025.

Allele frequency attached by ClinVar (database versions not stated): gnomAD 0.00001; gnomAD exomes 0.00001; TOPMed 0.00001.
gnomAD v4.1: 17 of 1,613,924 alleles (0.0011%); highest among the groups gnomAD compares: Non-Finnish European, 0.0014%; no homozygotes.

Submission:

Labcorp Genetics (formerly Invitae), Labcorp
Classification: Uncertain significance for Hyperphosphatasia with intellectual disability syndrome 5. Last evaluated: 2024-02-05. Review status: criteria provided, single submitter. Criteria: Invitae Variant Classification Sherloc (09022015). Collection method: clinical testing. Allele origin: germline.
Comment: This sequence change replaces proline, which is neutral and non-polar, with leucine, which is neutral and non-polar, at codon 208 of the PIGW protein (p.Pro208Leu). This variant is not present in population databases (gnomAD no frequency). This variant has not been reported in the literature in individuals affected with PIGW-related conditions. ClinVar contains an entry for this variant (Variation ID: 1897168). Advanced modeling of protein sequence and biophysical properties (such as structural, functional, and spatial information, amino acid conservation, physicochemical variation, residue mobility, and thermodynamic stability) performed at Invitae indicates that this missense variant is not expected to disrupt PIGW protein function with a negative predictive value of 80%. In summary, the available evidence is currently insufficient to determine the role of this variant in disease. Therefore, it has been classified as a Variant of Uncertain Significance.